The following is an entry in ClinVar:

ClinVar aggregate classification (germline): Pathogenic (1 of 4 stars; one submission).

Conditions:
Myoclonic dystonia 11 (DYT11). Also called: DYT-SGCE; Myoclonic dystonia; Dystonia 11; Dystonia, alcohol responsive; Hereditary essential myoclonus; SGCE Myoclonus-Dystonia. Identifiers: Orphanet 36899, MedGen C1834570, MONDO:0008044, OMIM 159900.

Submission:

Labcorp Genetics (formerly Invitae), Labcorp
Classification: Pathogenic for Myoclonic dystonia 11. Last evaluated: 2021-08-12. Review status: criteria provided, single submitter. Criteria: Invitae Variant Classification Sherloc (09022015). Collection method: clinical testing. Allele origin: germline.
Comment: This variant is a gross deletion of the genomic region encompassing exon(s) 4 of the SGCE gene. This deletion is out-of-frame, and is expected to create a premature termination codon and result in an absent or disrupted protein product. Loss-of-function variants in SGCE are known to be pathogenic (PMID: 12821748, 15389977, 17853490, 24297365). This variant has not been reported in the literature in individuals affected with SGCE-related conditions. For these reasons, this variant has been classified as Pathogenic.

Literature cited by the submitters: PubMed 12821748; PubMed 15389977; PubMed 17853490; PubMed 24297365.

NC_000007.13:g.(?_94252617)_(94252729_?)del

Gene: SGCE (sarcoglycan epsilon; minus strand). Cytogenetic location: 7q21.3.
Variant type: Deletion.
Identifiers: ClinVar variation 2424795 (VCV002424795.3).